The following is an entry in ClinVar:

ClinVar aggregate classification (germline): Benign/Likely benign. Review status: criteria provided, multiple submitters, no conflicts (2 of 4 stars). 3 submissions from 3 submitters: Benign (1); Likely benign (1). 1 of the submissions does not count toward it. Last evaluated 2025-12-23.

Conditions:
Pulmonary hypertension, primary, 2. Identifiers: Orphanet 422, MedGen C3888002, MONDO:0014134, OMIM 615342.

Allele frequency attached by ClinVar (database versions not stated): gnomAD exomes 0.00006 and 0.00017; ExAC 0.00015; 1000 Genomes Project 30x 0.00031; 1000 Genomes Project 0.00040; gnomAD 0.00062 and 0.00067; ESP Exome Variant Server 0.00069; TOPMed 0.00071.
gnomAD v4.1: 188 of 1,614,092 alleles (0.012%); highest among the groups gnomAD compares: African/African-American, 0.2%; no homozygotes.

Submissions (3):

Labcorp Genetics (formerly Invitae), Labcorp
Classification: Benign for Pulmonary hypertension, primary, 2. Last evaluated: 2025-12-23. Review status: criteria provided, single submitter. Criteria: Invitae Variant Classification Sherloc (09022015). Collection method: clinical testing. Allele origin: germline.

Laboratory for Molecular Medicine, Mass General Brigham Personalized Medicine
Classification: Likely benign. Last evaluated: 2013-02-21. Review status: criteria provided, single submitter. Criteria: LMM Criteria. Collection method: clinical testing. Allele origin: germline. Observed: 1 variant allele.
Comment: Val345Val in exon 6 of SMAD9: This variant is not expected to have clinical sign ificance because it does not alter an amino acid residue and is not located with in the splice consensus sequence. It has been identified in 0.2% (9/4406) of Afr ican American chromosomes from a broad population by the NHLBI Exome Sequencing Project (dbSNP rs150237947).

Department of Pathology and Laboratory Medicine, Sinai Health System
Classification: Benign. Review status: no assertion criteria provided. Collection method: clinical testing. Allele origin: unknown. Affected: yes. Study: The Canadian Open Genetics Repository (COGR). Not counted in ClinVar's aggregate classification.
Comment: The SMAD9 p.Val345Val variant was not identified in the literature but was identified in dbSNP (ID: rs150237947), LOVD 3.0 and ClinVar (classified as likely benign by Illumina and Laboratory for Molecular Medicine, and as benign by Invitae). The variant was identified in control databases in 63 of 282704 chromosomes at a frequency of 0.0002228 (Genome Aggregation Database March 6, 2019, v2.1.1). The variant was observed in the following populations: African in 53 of 24962 chromosomes (freq: 0.002123), Latino in 8 of 35424 chromosomes (freq: 0.000226), Other in 1 of 7220 chromosomes (freq: 0.000139) and South Asian in 1 of 30608 chromosomes (freq: 0.000033), but was not observed in the Ashkenazi Jewish, East Asian, European (Finnish), or European (non-Finnish) populations. The p.Val345Val variant is not expected to have clinical significance because it does not result in a change of amino acid and is not located in a known consensus splice site. Three of four in silico or computational prediction software programs (SpliceSiteFinder, MaxEntScan, NNSPLICE, GeneSplicer) predict a greater than 10% difference in splicing and the creation of a new 5' splice site, however this has not been confirmed by RNA analysis and is not predictive enough to assume pathogenicity. In summary, based on the above information this variant meets our laboratory's criteria to be classified as benign.

NM_001127217.3(SMAD9):c.1035G>A (p.Val345=)

Gene: SMAD9 (SMAD family member 9; minus strand). Cytogenetic location: 13q13.3.
Variant type: single nucleotide variant.
Coding change: c.1035G>A on transcript NM_001127217.3 (MANE Select); coding-DNA position 1035, G replaced by A.
Protein change: p.Val345=; no amino-acid change (valine 345 retained).
Molecular consequence: synonymous variant.
Genome position (GRCh38, 1-based): chr13:36,853,644, C>T on the plus strand (G>A on the coding strand, the complement: SMAD9 is on the minus strand). VCF-style: chr13-36853644-C-T. GRCh37 (hg19) VCF-style: chr13-37427781-C-T.
Other names: c.924G>A, p.Val308= (NM_001378621.1, NM_005905.6).
Identifiers: ClinVar variation 311897 (VCV000311897.13), dbSNP rs150237947, ClinGen allele CA6950390.